The following is an entry in ClinVar:

ClinVar aggregate classification (germline): Uncertain significance (1 of 4 stars; one submission).

Conditions:
Charcot-Marie-Tooth disease type 2. Also called: Charcot-Marie-Tooth type 2. Identifiers: Orphanet 64746, MedGen C0270914, MONDO:0018993.

Allele frequency attached by ClinVar (database versions not stated): gnomAD 0.00001.

Submission:

Labcorp Genetics (formerly Invitae), Labcorp
Classification: Uncertain significance for Charcot-Marie-Tooth disease type 2. Last evaluated: 2020-09-30. Review status: criteria provided, single submitter. Criteria: Invitae Variant Classification Sherloc (09022015). Collection method: clinical testing. Allele origin: germline.
Comment: In summary, the available evidence is currently insufficient to determine the role of this variant in disease. Therefore, it has been classified as a Variant of Uncertain Significance. Algorithms developed to predict the effect of sequence changes on RNA splicing suggest that this variant may create or strengthen a splice site, but this prediction has not been confirmed by published transcriptional studies. Algorithms developed to predict the effect of missense changes on protein structure and function (SIFT, PolyPhen-2, Align-GVGD) all suggest that this variant is likely to be tolerated, but these predictions have not been confirmed by published functional studies and their clinical significance is uncertain. This variant has not been reported in the literature in individuals with MED25-related conditions. This variant is not present in population databases (ExAC no frequency). This sequence change replaces alanine with valine at codon 368 of the MED25 protein (p.Ala368Val). The alanine residue is moderately conserved and there is a small physicochemical difference between alanine and valine.

NM_030973.4(MED25):c.1103C>T (p.Ala368Val)

Gene: MED25 (mediator complex subunit 25; plus strand). Cytogenetic location: 19q13.33.
Variant type: single nucleotide variant.
Coding change: c.1103C>T on transcript NM_030973.4 (MANE Select); coding-DNA position 1103, C replaced by T.
Protein change: p.Ala368Val; replaces alanine 368 with valine.
Molecular consequence: missense variant.
Genome position (GRCh38, 1-based): chr19:49,831,334, C>T. VCF-style: chr19-49831334-C-T. GRCh37 (hg19) VCF-style: chr19-50334591-C-T.
Other names: c.1103C>T, p.Ala368Val (NM_001378355.1); short protein forms A368V.
Identifiers: ClinVar variation 1019527 (VCV001019527.8), dbSNP rs769174134, ClinGen allele CA406916127.